The following is an entry in ClinVar:

NM_017415.3(KLHL3):c.565C>A (p.Leu189Ile)

Gene: KLHL3 (kelch like family member 3; minus strand). Cytogenetic location: 5q31.2.
Variant type: single nucleotide variant.
Coding change: c.565C>A on transcript NM_017415.3 (MANE Select); coding-DNA position 565, C replaced by A.
Protein change: p.Leu189Ile; replaces leucine 189 with isoleucine.
Molecular consequence: missense variant.
Genome position (GRCh38, 1-based): chr5:137,677,616, G>T on the plus strand (C>A on the coding strand, the complement: KLHL3 is on the minus strand). VCF-style: chr5-137677616-G-T. GRCh37 (hg19) VCF-style: chr5-137013305-G-T.
Other names: c.469C>A, p.Leu157Ile (NM_001257194.1); c.319C>A, p.Leu107Ile (NM_001257195.2); short protein forms L157I, L189I, L107I.
Identifiers: ClinVar variation 3591733 (VCV003591733.2).
Genomic context (GRCh38, chr5:137,677,616, plus strand): 5'-AAGAAACGGTCAGCTTGTCGCTGGATATCAAGCTGCACACCTGGTCCAGACTCAGGCTAA[G>T]AAATTCTTCTCCTAGCATCACCTCTGGAAAGTGCTGCTCTGTTCCAAAAAAAAAAAAAAG-3'
Protein context (NP_059111.2, residues 179-199): FPEVMLGEEF[Leu189Ile]SLSLDQVCSL

ClinVar aggregate classification (germline): Uncertain significance. Review status: criteria provided, multiple submitters, no conflicts (2 of 4 stars). 2 submissions from 2 submitters: Uncertain significance (2). Last evaluated 2026-02-01.

Conditions:
Pseudohypoaldosteronism type 2D (PHA2D). Also called: FAMILIAL HYPERKALEMIC HYPERTENSION; PSEUDOHYPOALDOSTERONISM, TYPE IID, AUTOSOMAL DOMINANT OR RECESSIVE; Pseudohypoaldosteronism Type IID. Identifiers: Orphanet 300525, Orphanet 757, MedGen C3469605, MONDO:0013781, OMIM 614495.

gnomAD v4.1: 2 of 1,606,164 alleles (0.00012%); highest among the groups gnomAD compares: Admixed American, 0.0034%; no homozygotes.

Submissions (2):

Labcorp Genetics (formerly Invitae), Labcorp
Classification: Uncertain significance. Last evaluated: 2026-02-01. Review status: criteria provided, single submitter. Criteria: Invitae Variant Classification Sherloc (09022015). Collection method: clinical testing. Allele origin: germline.
Comment: This sequence change replaces leucine, which is neutral and non-polar, with isoleucine, which is neutral and non-polar, at codon 189 of the KLHL3 protein (p.Leu189Ile). This variant is present in population databases (rs750790387, gnomAD 0.003%). This variant has not been reported in the literature in individuals affected with KLHL3-related conditions. ClinVar contains an entry for this variant (Variation ID: 3591733). Invitae Evidence Modeling of protein sequence and biophysical properties (such as structural, functional, and spatial information, amino acid conservation, physicochemical variation, residue mobility, and thermodynamic stability) indicates that this missense variant is not expected to disrupt KLHL3 protein function with a negative predictive value of 80%. In summary, the available evidence is currently insufficient to determine the role of this variant in disease. Therefore, it has been classified as a Variant of Uncertain Significance.

Fulgent Genetics
Classification: Uncertain significance for Pseudohypoaldosteronism type 2D. Last evaluated: 2024-02-14. Review status: criteria provided, single submitter. Criteria: ACMG Guidelines, 2015. Collection method: clinical testing. Allele origin: germline.